The following is an entry in ClinVar:

NM_032122.5(DTNBP1):c.673A>G (p.Ile225Val)

Gene: DTNBP1 (dystrobrevin binding protein 1; minus strand). Cytogenetic location: 6p22.3.
Variant type: single nucleotide variant.
Coding change: c.673A>G on transcript NM_032122.5 (MANE Select); coding-DNA position 673, A replaced by G.
Protein change: p.Ile225Val; replaces isoleucine 225 with valine.
Molecular consequence: missense variant. On other transcripts: non-coding transcript variant (1).
Genome position (GRCh38, 1-based): chr6:15,524,664, T>C on the plus strand (A>G on the coding strand, the complement: DTNBP1 is on the minus strand). VCF-style: chr6-15524664-T-C. GRCh37 (hg19) VCF-style: chr6-15524895-T-C.
Other names: c.430A>G, p.Ile144Val (NM_001271667.2); c.622A>G, p.Ile208Val (NM_001271668.2); c.568A>G, p.Ile190Val (NM_001271669.2); c.673A>G, p.Ile225Val (NM_183040.2); short protein forms I144V, I190V, I208V, I225V.
Identifiers: ClinVar variation 1314402 (VCV001314402.2), dbSNP rs187849385, ClinGen allele CA134846220.

ClinVar aggregate classification (germline): Uncertain significance (1 of 4 stars; one submission).

Allele frequency attached by ClinVar (database versions not stated): gnomAD exomes below 0.00001; gnomAD 0.00001; TOPMed 0.00001; 1000 Genomes Project 30x 0.00016; 1000 Genomes Project 0.00020.
gnomAD v4.1: 3 of 1,613,118 alleles (0.00019%); highest among the groups gnomAD compares: Admixed American, 0.0017%; no homozygotes.

Submission:

GeneDx
Classification: Uncertain significance. Last evaluated: 2021-04-09. Review status: criteria provided, single submitter. Criteria: GeneDx Variant Classification Process June 2021. Collection method: clinical testing. Allele origin: germline. Affected: yes.
Comment: Not observed at a significant frequency in large population cohorts (Lek et al., 2016); In silico analysis supports that this missense variant does not alter protein structure/function; Has not been previously published as pathogenic or benign to our knowledge